The following is an entry in ClinVar:

NM_182972.3(IRF2BP2):c.568C>T (p.Pro190Ser)

Gene: IRF2BP2 (interferon regulatory factor 2 binding protein 2; minus strand). Cytogenetic location: 1q42.3.
Variant type: single nucleotide variant.
Coding change: c.568C>T on transcript NM_182972.3 (MANE Select); coding-DNA position 568, C replaced by T.
Protein change: p.Pro190Ser; replaces proline 190 with serine.
Molecular consequence: missense variant.
Genome position (GRCh38, 1-based): chr1:234,608,927, G>A on the plus strand (C>T on the coding strand, the complement: IRF2BP2 is on the minus strand). VCF-style: chr1-234608927-G-A. GRCh37 (hg19) VCF-style: chr1-234744673-G-A.
Other names: c.568C>T, p.Pro190Ser (NM_001077397.1); short protein forms P190S.
Identifiers: ClinVar variation 1472764 (VCV001472764.8), dbSNP rs779052175, ClinGen allele CA1461811.

ClinVar aggregate classification (germline): Uncertain significance (1 of 4 stars; one submission).

Allele frequency attached by ClinVar (database versions not stated): gnomAD exomes below 0.00001; TOPMed below 0.00001; ExAC 0.00002.
gnomAD v4.1: 1 of 1,372,060 alleles (0.000073%); highest among the groups gnomAD compares: Non-Finnish European, 0.000094%; no homozygotes.

Submission:

Labcorp Genetics (formerly Invitae), Labcorp
Classification: Uncertain significance. Last evaluated: 2021-04-10. Review status: criteria provided, single submitter. Criteria: Invitae Variant Classification Sherloc (09022015). Collection method: clinical testing. Allele origin: germline.
Comment: In summary, the available evidence is currently insufficient to determine the role of this variant in disease. Therefore, it has been classified as a Variant of Uncertain Significance. Algorithms developed to predict the effect of missense changes on protein structure and function are either unavailable or do not agree on the potential impact of this missense change (SIFT: "Tolerated"; PolyPhen-2: "Possibly Damaging"; Align-GVGD: "Class C0"). This variant has not been reported in the literature in individuals with IRF2BP2-related conditions. The frequency data for this variant in the population databases is considered unreliable, as metrics indicate poor data quality at this position in the ExAC database. This sequence change replaces proline with serine at codon 190 of the IRF2BP2 protein (p.Pro190Ser). The proline residue is moderately conserved and there is a moderate physicochemical difference between proline and serine.